The following is an entry in ClinVar:

NM_001126111.3(OSGIN2):c.1246T>C (p.Leu416=)

Gene: OSGIN2 (oxidative stress induced growth inhibitor family member 2; plus strand). Cytogenetic location: 8q21.3.
Variant type: single nucleotide variant.
Coding change: c.1246T>C on transcript NM_001126111.3 (MANE Select); coding-DNA position 1246, T replaced by C.
Protein change: p.Leu416=; no amino-acid change (leucine 416 retained).
Molecular consequence: synonymous variant.
Genome position (GRCh38, 1-based): chr8:89,925,128, T>C. VCF-style: chr8-89925128-T-C. GRCh37 (hg19) VCF-style: chr8-90937356-T-C.
Other names: c.1114T>C, p.Leu372= (NM_004337.2).
Identifiers: ClinVar variation 2658681 (VCV002658681.24), dbSNP rs150510939, ClinGen allele CA4802487.

ClinVar aggregate classification (germline): Likely benign (1 of 4 stars; one submission).

Allele frequency attached by ClinVar (database versions not stated): ExAC 0.00009; gnomAD 0.00028; TOPMed 0.00029; ESP Exome Variant Server 0.00046.
gnomAD v4.1: 73 of 1,614,106 alleles (0.0045%); highest among the groups gnomAD compares: African/African-American, 0.083%; no homozygotes.

Submission:

CeGaT Center for Human Genetics Tuebingen
Classification: Likely benign. Last evaluated: 2022-03-01. Review status: criteria provided, single submitter. Criteria: CeGaT Center For Human Genetics Tuebingen Variant Classification Criteria Version 2. Collection method: clinical testing. Allele origin: germline. Affected: yes. Observed: 1 variant allele.
Comment: OSGIN2: BP4, BP7